The following is an entry in ClinVar:

NM_025074.7(FRAS1):c.10539A>G (p.Thr3513=)

Gene: FRAS1 (Fraser extracellular matrix complex subunit 1; plus strand). Cytogenetic location: 4q21.21.
Variant type: single nucleotide variant.
Coding change: c.10539A>G on transcript NM_025074.7 (MANE Select); coding-DNA position 10539, A replaced by G.
Protein change: p.Thr3513=; no amino-acid change (threonine 3513 retained).
Molecular consequence: synonymous variant.
Genome position (GRCh38, 1-based): chr4:78,519,480, A>G. VCF-style: chr4-78519480-A-G. GRCh37 (hg19) VCF-style: chr4-79440634-A-G.
Identifiers: ClinVar variation 281468 (VCV000281468.23), dbSNP rs199921300, ClinGen allele CA2978984.
Genomic context (GRCh38, chr4:78,519,480, plus strand): 5'-CTTGGAGCACCACACCGAGATGGAGTTTTCTTTCTTCTATGACACTGTTCTCTGGAGAAC[A>G]GGTATGCCCACTGACGCCTTAACTATCCCTTTAGTTAGGGCTTCACTCAAGCAAGATTAA-3'
Protein context (NP_079350.5, residues 3503-3523): SFFYDTVLWR[Thr3513=]GIQTDSVLSA

ClinVar aggregate classification (germline): Benign/Likely benign. Review status: criteria provided, multiple submitters, no conflicts (2 of 4 stars). 5 submissions from 5 submitters: Benign (1); Likely benign (4). Last evaluated 2026-01-26.

Conditions:
Fraser syndrome 1 (FRASRS1). Also called: CRYPTOPHTHALMOS WITH OTHER MALFORMATIONS. Identifiers: Orphanet 2052, MedGen C4551480, MONDO:0054737, OMIM 219000.

Allele frequency attached by ClinVar (database versions not stated): gnomAD exomes 0.00008 and 0.00024; 1000 Genomes Project 30x 0.00031; ExAC 0.00034; 1000 Genomes Project 0.00040; gnomAD 0.00088 and 0.00098; ESP Exome Variant Server 0.00100; TOPMed 0.00110.
gnomAD v4.1: 257 of 1,608,428 alleles (0.016%); highest among the groups gnomAD compares: African/African-American, 0.32%; no homozygotes.

Submissions (5):

Labcorp Genetics (formerly Invitae), Labcorp
Classification: Likely benign. Last evaluated: 2026-01-26. Review status: criteria provided, single submitter. Criteria: Invitae Variant Classification Sherloc (09022015). Collection method: clinical testing. Allele origin: germline.

Illumina Laboratory Services, Illumina
Classification: Likely benign for Fraser syndrome 1. Last evaluated: 2018-01-13. Review status: criteria provided, single submitter. Criteria: ICSL Variant Classification Criteria 13 December 2019. Collection method: clinical testing. Allele origin: germline.
Comment: This variant was observed in the ICSL laboratory as part of a predisposition screen in an ostensibly healthy population. It had not been previously curated by ICSL or reported in the Human Gene Mutation Database (HGMD: prior to June 1st, 2018), and was therefore a candidate for classification through an automated scoring system. Utilizing variant allele frequency, disease prevalence and penetrance estimates, and inheritance mode, an automated score was calculated to assess if this variant is too frequent to cause the disease. Based on the score and internal cut-off values, a variant classified as likely benign is not then subjected to further curation. The score for this variant resulted in a classification of likely benign for this disease.

Genetic Services Laboratory, University of Chicago
Classification: Likely benign. Last evaluated: 2017-01-05. Review status: criteria provided, single submitter. Criteria: ACMG Guidelines, 2015. Collection method: clinical testing. Allele origin: germline. Affected: no.

Eurofins Ntd Llc (ga)
Classification: Benign. Last evaluated: 2015-06-25. Review status: criteria provided, single submitter. Criteria: EGL Classification Definitions 2015. Collection method: clinical testing. Allele origin: germline. Observed: 1 variant allele, 1 heterozygote.

Breakthrough Genomics
Classification: Likely benign. Review status: criteria provided, single submitter. Criteria: ACMG Guidelines, 2015. Collection method: not provided. Allele origin: germline. Inheritance: Autosomal recessive inheritance. Affected: yes.